The following is an entry in ClinVar:

NM_001374828.1(ARID1B):c.4853G>A (p.Arg1618His)

Gene: ARID1B (AT-rich interaction domain 1B; plus strand). Cytogenetic location: 6q25.3.
Variant type: single nucleotide variant.
Coding change: c.4853G>A on transcript NM_001374828.1 (MANE Select); coding-DNA position 4853, G replaced by A.
Protein change: p.Arg1618His; replaces arginine 1618 with histidine.
Molecular consequence: missense variant.
Genome position (GRCh38, 1-based): chr6:157,201,078, G>A. VCF-style: chr6-157201078-G-A. GRCh37 (hg19) VCF-style: chr6-157522212-G-A.
Other names: c.4604G>A, p.Arg1535His (NM_001346813.1); c.2354G>A, p.Arg785His (NM_001363725.2); c.4733G>A, p.Arg1578His (NM_001371656.1, NM_001374820.1); c.4694G>A, p.Arg1565His (NM_017519.3); c.4484G>A, p.Arg1495His (NM_020732.3); c.4271G>A, p.Arg1424His (NM_175863.2); short protein forms R1424H, R1495H, R1535H, R1565H, R1578H, R1618H, R785H.
Identifiers: ClinVar variation 2504189 (VCV002504189.1), dbSNP rs1794073478, ClinGen allele CA366241862.
Genomic context (GRCh38, chr6:157,201,078, plus strand): 5'-ACCAGAACAGGCAGGGCCCTGGCGGCCCTACACAGGCGCCCCCTTACCCAGGCATGAACC[G>A]CACAGACGATATGATGGTACCCGATCAGAGGATAAATCATGAGAGCCAGTGGCCTTCTCA-3'
Protein context (NP_001361757.1, residues 1608-1628): TQAPPYPGMN[Arg1618His]TDDMMVPDQR

ClinVar aggregate classification (germline): Uncertain significance (1 of 4 stars; one submission).

Allele frequency attached by ClinVar (database versions not stated): gnomAD exomes 0.00001.
gnomAD v4.1: 9 of 1,613,970 alleles (0.00056%); highest among the groups gnomAD compares: Non-Finnish European, 0.00068%; no homozygotes.

Submission:

GeneDx
Classification: Uncertain significance. Last evaluated: 2022-12-01. Review status: criteria provided, single submitter. Criteria: GeneDx Variant Classification Process June 2021. Collection method: clinical testing. Allele origin: germline. Affected: yes.
Comment: Not observed at significant frequency in large population cohorts (gnomAD); In silico analysis supports that this missense variant has a deleterious effect on protein structure/function; Has not been previously published as pathogenic or benign to our knowledge